The following is an entry in ClinVar:

ClinVar aggregate classification (germline): Likely pathogenic (1 of 4 stars; one submission).

Submission:

Labcorp Genetics (formerly Invitae), Labcorp
Classification: Likely pathogenic. Last evaluated: 2024-02-05. Review status: criteria provided, single submitter. Criteria: Invitae Variant Classification Sherloc (09022015). Collection method: clinical testing. Allele origin: germline.
Comment: This sequence change affects a donor splice site in intron 42 of the CDH23 gene. It is expected to disrupt RNA splicing. Variants that disrupt the donor or acceptor splice site typically lead to a loss of protein function (PMID: 16199547), and loss-of-function variants in CDH23 are known to be pathogenic (PMID: 11138009, 21940737). This variant is not present in population databases (gnomAD no frequency). This variant has not been reported in the literature in individuals affected with CDH23-related conditions. Algorithms developed to predict the effect of sequence changes on RNA splicing suggest that this variant may disrupt the consensus splice site. In summary, the currently available evidence indicates that the variant is pathogenic, but additional data are needed to prove that conclusively. Therefore, this variant has been classified as Likely Pathogenic.

Literature cited by the submitters: PubMed 16199547; PubMed 11138009; PubMed 21940737.

NM_022124.6(CDH23):c.5502+1G>A

Gene: CDH23 (cadherin related 23; plus strand). Cytogenetic location: 10q22.1.
Variant type: single nucleotide variant.
Coding change: c.5502+1G>A on transcript NM_022124.6 (MANE Select); the canonical splice donor site of the intron after coding-DNA position 5502, G replaced by A.
Molecular consequence: splice donor variant.
Genome position (GRCh38, 1-based): chr10:71,784,421, G>A. VCF-style: chr10-71784421-G-A. GRCh37 (hg19) VCF-style: chr10-73544178-G-A.
Identifiers: ClinVar variation 2963494 (VCV002963494.3), dbSNP rs2494357398, ClinGen allele CA377145552.